The following is an entry in ClinVar:

ClinVar aggregate classification (germline): Uncertain significance (1 of 4 stars; one submission).

Submission:

Ambry Genetics
Classification: Uncertain significance. Last evaluated: 2022-07-11. Review status: criteria provided, single submitter. Criteria: Ambry Variant Classification Scheme 2023. Collection method: clinical testing. Allele origin: germline.
Comment: The p.L196I variant (also known as c.586T>A), located in coding exon 5 of the BUB3 gene, results from a T to A substitution at nucleotide position 586. The leucine at codon 196 is replaced by isoleucine, an amino acid with highly similar properties. This amino acid position is conserved. In addition, this alteration is predicted to be tolerated by in silico analysis. Since supporting evidence is limited at this time, the clinical significance of this alteration remains unclear.

NM_004725.4(BUB3):c.586T>A (p.Leu196Ile)

Gene: BUB3 (BUB3 mitotic checkpoint protein; plus strand). Cytogenetic location: 10q26.13.
Variant type: single nucleotide variant.
Coding change: c.586T>A on transcript NM_004725.4 (MANE Select); coding-DNA position 586, T replaced by A.
Protein change: p.Leu196Ile; replaces leucine 196 with isoleucine.
Molecular consequence: missense variant.
Genome position (GRCh38, 1-based): chr10:123,162,245, T>A. VCF-style: chr10-123162245-T-A. GRCh37 (hg19) VCF-style: chr10-124921761-T-A.
Other names: c.586T>A, p.Leu196Ile (NM_001007793.3); short protein forms L196I.
Identifiers: ClinVar variation 1750189 (VCV001750189.2), dbSNP rs2493765762, ClinGen allele CA378626433.
Genomic context (GRCh38, chr10:123,162,245, plus strand): 5'-TTTTTGGAAGCTGGAATTTACCATTTTTTTCCTCTGGTTCTCTCTTGGCAGGGTTATGTA[T>A]TAAGCTCTATTGAAGGCCGAGTGGCAGTTGAGTATTTGGACCCAAGCCCTGAGGTACAGA-3'
Protein context (NP_004716.1, residues 186-206): RAFPNKQGYV[Leu196Ile]SSIEGRVAVE